The following is an entry in ClinVar:

NM_000238.4(KCNH2):c.3007G>A (p.Asp1003Asn)

Gene: KCNH2 (potassium voltage-gated channel subfamily H member 2; minus strand). Cytogenetic location: 7q36.1.
Variant type: single nucleotide variant.
Coding change: c.3007G>A on transcript NM_000238.4 (MANE Select); coding-DNA position 3007, G replaced by A.
Protein change: p.Asp1003Asn; replaces aspartic acid 1003 with asparagine.
Molecular consequence: missense variant.
Genome position (GRCh38, 1-based): chr7:150,947,473, C>T on the plus strand (G>A on the coding strand, the complement: KCNH2 is on the minus strand). VCF-style: chr7-150947473-C-T. GRCh37 (hg19) VCF-style: chr7-150644561-C-T.
Other names: c.1987G>A, p.Asp663Asn (NM_172057.3); short protein forms D1003N, D663N.
Identifiers: ClinVar variation 373622 (VCV000373622.13), dbSNP rs794728402, ClinGen allele CA16042691.

ClinVar aggregate classification (germline): Uncertain significance. Review status: criteria provided, multiple submitters, no conflicts (2 of 4 stars). 4 submissions from 4 submitters: Uncertain significance (4). Last evaluated 2026-01-12.

Conditions:
Cardiovascular phenotype. Identifiers: MedGen CN230736.
Long QT syndrome (LQTS). Identifiers: MedGen C0023976, MeSH D008133, MONDO:0002442. Disease mechanism: loss of function. Inheritance: Various modes of inheritance.
Cardiac arrhythmia. Also called: Arrhythmia; Cardiac rhythm disease. Identifiers: MedGen C0003811, MONDO:0007263, HP:0011675.

Allele frequency attached by ClinVar (database versions not stated): gnomAD 0.00001 and 0.00002; TOPMed 0.00001.
gnomAD v4.1: 7 of 1,577,120 alleles (0.00044%); highest among the groups gnomAD compares: African/African-American, 0.0067%; no homozygotes.

Submissions (4):

Labcorp Genetics (formerly Invitae), Labcorp
Classification: Uncertain significance for Long QT syndrome. Last evaluated: 2026-01-12. Review status: criteria provided, single submitter. Criteria: Invitae Variant Classification Sherloc (09022015). Collection method: clinical testing. Allele origin: germline.
Comment: This sequence change replaces aspartic acid, which is acidic and polar, with asparagine, which is neutral and polar, at codon 1003 of the KCNH2 protein (p.Asp1003Asn). This variant is present in population databases (no rsID available, gnomAD 0.01%). This missense change has been observed in individual(s) with acquired long QT syndrome (LQTS) (PMID: 26715165). ClinVar contains an entry for this variant (Variation ID: 373622). An algorithm developed to predict the effect of missense changes on protein structure and function (PolyPhen-2) suggests that this variant is likely to be disruptive. In summary, the available evidence is currently insufficient to determine the role of this variant in disease. Therefore, it has been classified as a Variant of Uncertain Significance.

Color Diagnostics, LLC DBA Color Health
Classification: Uncertain significance for Cardiac arrhythmia. Last evaluated: 2025-08-11. Review status: criteria provided, single submitter. Criteria: ACMG Guidelines, 2015. Collection method: clinical testing. Allele origin: germline.
Comment: This missense variant replaces aspartic acid with asparagine at codon 1003 of the KCNH2 protein. Computational prediction is inconclusive regarding the impact of this variant on protein structure and function. To our knowledge, functional studies have not been reported for this variant. This variant has not been reported in an individual affected with acquired long QT syndrome (PMID: 26715165). This variant has not been identified in the general population by the Genome Aggregation Database (gnomAD). The available evidence is insufficient to determine the role of this variant in disease conclusively. Therefore, this variant is classified as a Variant of Uncertain Significance.

Ambry Genetics
Classification: Uncertain significance for Cardiovascular phenotype. Last evaluated: 2022-06-22. Review status: criteria provided, single submitter. Criteria: Ambry Variant Classification Scheme 2023. Collection method: clinical testing. Allele origin: germline.
Comment: The p.D1003N variant (also known as c.3007G>A), located in coding exon 13 of the KCNH2 gene, results from a G to A substitution at nucleotide position 3007. The aspartic acid at codon 1003 is replaced by asparagine, an amino acid with highly similar properties. This alteration has been reported in a long QT syndrome cohort; however, clinical details were limited and an additional alteration in an associated gene was also identified (Itoh H et al. Eur Heart J, 2016 May;37:1456-64). This amino acid position is not well conserved in available vertebrate species. In addition, the in silico prediction for this alteration is inconclusive. Since supporting evidence is limited at this time, the clinical significance of this alteration remains unclear.

GeneDx
Classification: Uncertain significance. Last evaluated: 2016-11-29. Review status: criteria provided, single submitter. Criteria: GeneDx Variant Classification (06012015). Collection method: clinical testing. Allele origin: germline. Affected: yes.
Comment: A variant of uncertain significance has been identified in the KCNH2 gene. However, this individual harbored an additional cardiogenetic variant, and further clinical details and segregation studies were not described. The D1003N variant was not observed in approximately 6,500 individuals of European and African American ancestry in the NHLBI Exome Sequencing Project (average read depth 7X). Furthermore, this substitution occurs at a position where amino acids with similar properties to Aspartic acid are tolerated across species, and D1003N is a semi-conservative amino acid substitution, which may impact secondary protein structure as these residues differ in some properties. Nevertheless, in silico analysis is inconsistent in its predictions as to whether or not the variant is damaging to the protein structure/function.Therefore, based on the currently available information, it is unclear whether this variant is pathogenic or rare benign.

Literature cited by the submitters: PubMed 26715165 (cited by 3 submitters).